The following is an entry in ClinVar:

ClinVar aggregate classification (germline): Uncertain significance. Review status: criteria provided, multiple submitters, no conflicts (2 of 4 stars). 2 submissions from 2 submitters: Uncertain significance (2). Last evaluated 2022-09-02.

Conditions:
Brugada syndrome. Also called: Sudden unexpected nocturnal death syndrome; Sudden Unexplained Death Syndrome; Sudden Unexplained Nocturnal Death Syndrome (SUNDS); Sudden unexplained nocturnal death syndrome. Identifiers: Orphanet 130, MedGen C1142166, MONDO:0015263.

Submissions (2):

Mayo Clinic Laboratories, Mayo Clinic
Classification: Uncertain significance. Last evaluated: 2022-09-02. Review status: criteria provided, single submitter. Criteria: ACMG Guidelines, 2015. Collection method: clinical testing. Allele origin: germline. Observed: 1 variant allele.
Comment: PP3, PM2

Labcorp Genetics (formerly Invitae), Labcorp
Classification: Uncertain significance for Brugada syndrome. Last evaluated: 2019-10-06. Review status: criteria provided, single submitter. Criteria: Invitae Variant Classification Sherloc (09022015). Collection method: clinical testing. Allele origin: germline.
Comment: This sequence change replaces phenylalanine with leucine at codon 1401 of the SCN10A protein (p.Phe1401Leu). The phenylalanine residue is highly conserved and there is a small physicochemical difference between phenylalanine and leucine. This variant is not present in population databases (ExAC no frequency). This variant has not been reported in the literature in individuals with SCN10A-related conditions. Algorithms developed to predict the effect of missense changes on protein structure and function are either unavailable or do not agree on the potential impact of this missense change (SIFT: "Deleterious"; PolyPhen-2: "Probably Damaging"; Align-GVGD: "Class C0"). In summary, the available evidence is currently insufficient to determine the role of this variant in disease. Therefore, it has been classified as a Variant of Uncertain Significance.

NM_006514.4(SCN10A):c.4201T>C (p.Phe1401Leu)

Gene: SCN10A (sodium voltage-gated channel alpha subunit 10; minus strand). Cytogenetic location: 3p22.2.
Variant type: single nucleotide variant.
Coding change: c.4201T>C on transcript NM_006514.4 (MANE Select); coding-DNA position 4201, T replaced by C.
Protein change: p.Phe1401Leu; replaces phenylalanine 1401 with leucine.
Molecular consequence: missense variant.
Genome position (GRCh38, 1-based): chr3:38,709,558, A>G on the plus strand (T>C on the coding strand, the complement: SCN10A is on the minus strand). VCF-style: chr3-38709558-A-G. GRCh37 (hg19) VCF-style: chr3-38751049-A-G.
Other names: p.Phe1401Leu; c.4198T>C, p.Phe1400Leu (NM_001293306.2); c.3907T>C, p.Phe1303Leu (NM_001293307.2); short protein forms F1303L, F1400L, F1401L.
Identifiers: ClinVar variation 965983 (VCV000965983.7), dbSNP rs572843309, ClinGen allele CA72949304.